The following is an entry in ClinVar:

NC_000004.12:g.(?_47943181)_(47943412_?)del

Gene: CNGA1 (cyclic nucleotide gated channel subunit alpha 1; minus strand). Cytogenetic location: 4p12.
Variant type: Deletion.
Identifiers: ClinVar variation 831540 (VCV000831540.1).

ClinVar aggregate classification (germline): Uncertain significance (1 of 4 stars; one submission).

Submission:

Labcorp Genetics (formerly Invitae), Labcorp
Classification: Uncertain significance. Last evaluated: 2019-12-02. Review status: criteria provided, single submitter. Criteria: Invitae Variant Classification Sherloc (09022015). Collection method: clinical testing. Allele origin: germline.
Comment: This variant is an in-frame deletion of the genomic region encompassing exons 7-8 of the CNGA1 gene. It preserves the integrity of the reading frame. This variant has not been reported in the literature in individuals with CNGA1-related conditions. In summary, the available evidence is currently insufficient to determine the role of this variant in disease. Therefore, it has been classified as a Variant of Uncertain Significance.